The following is an entry in ClinVar:

ClinVar aggregate classification (germline): Benign/Likely benign. Review status: criteria provided, multiple submitters, no conflicts (2 of 4 stars). 13 submissions from 13 submitters: Benign (3); Likely benign (8). 2 of the submissions do not count toward it. Last evaluated 2026-01-28.

Conditions:
Familial thoracic aortic aneurysm and aortic dissection (TAAD). Also called: Thoracic aortic aneurysms and dissections. Identifiers: Orphanet 91387, MedGen C4707243, MONDO:0019625.
Aortic aneurysm, familial thoracic 7 (AAT7). Also called: AORTIC DISSECTION, FAMILIAL, WITH OR WITHOUT AORTIC ANEURYSM. Identifiers: MedGen C3151077, MONDO:0013418, OMIM 613780.
Megacystis-microcolon-intestinal hypoperistalsis syndrome 1. Identifiers: MedGen C5542316, MONDO:0100354, OMIM 249210.

Allele frequency attached by ClinVar (database versions not stated): gnomAD 0.00015 and 0.00019; gnomAD exomes 0.00021 and 0.00059; TOPMed 0.00034; 1000 Genomes Project 0.00060; 1000 Genomes Project 30x 0.00062; ExAC 0.00070.
gnomAD v4.1: 352 of 1,614,182 alleles (0.022%); highest among the groups gnomAD compares: East Asian, 0.73%; 2 homozygotes.

Submissions (13):

Labcorp Genetics (formerly Invitae), Labcorp
Classification: Benign for Aortic aneurysm, familial thoracic 7. Last evaluated: 2026-01-28. Review status: criteria provided, single submitter. Criteria: Invitae Variant Classification Sherloc (09022015). Collection method: clinical testing. Allele origin: germline.

CeGaT Center for Human Genetics Tuebingen
Classification: Likely benign. Last evaluated: 2025-10-01. Review status: criteria provided, single submitter. Criteria: CeGaT Center For Human Genetics Tuebingen Variant Classification Criteria Version 2. Collection method: clinical testing. Allele origin: germline. Affected: yes. Observed: 1 variant allele.
Comment: MYLK: BP4, BS2

Blueprint Genetics
Classification: Likely benign. Last evaluated: 2024-11-01. Review status: criteria provided, single submitter. Criteria: ACMG Guidelines, 2015. Collection method: clinical testing. Allele origin: germline.

Women's Health and Genetics/Laboratory Corporation of America, LabCorp
Classification: Likely benign. Last evaluated: 2022-04-24. Review status: criteria provided, single submitter. Criteria: LabCorp Variant Classification Summary - May 2015. Collection method: clinical testing. Allele origin: germline.

CHEO Genetics Diagnostic Laboratory, Children's Hospital of Eastern Ontario
Classification: Benign for Familial thoracic aortic aneurysm and aortic dissection. Last evaluated: 2021-10-26. Review status: criteria provided, single submitter. Criteria: ACMG Guidelines, 2015. Collection method: clinical testing. Allele origin: germline.

Fulgent Genetics
Classification: Likely benign for Megacystis-microcolon-intestinal hypoperistalsis syndrome 1; Aortic aneurysm, familial thoracic 7. Last evaluated: 2021-08-23. Review status: criteria provided, single submitter. Criteria: ACMG Guidelines, 2015. Collection method: clinical testing. Allele origin: unknown.

GeneDx
Classification: Likely benign. Last evaluated: 2021-05-27. Review status: criteria provided, single submitter. Criteria: GeneDx Variant Classification Process June 2021. Collection method: clinical testing. Allele origin: germline. Affected: yes.

ARUP Laboratories, Molecular Genetics and Genomics, ARUP Laboratories
Classification: Likely benign. Last evaluated: 2020-02-23. Review status: criteria provided, single submitter. Criteria: ARUP Molecular Germline Variant Investigation Process. Collection method: clinical testing. Allele origin: germline.

Illumina Laboratory Services, Illumina
Classification: Likely benign for Aortic aneurysm, familial thoracic 7. Last evaluated: 2018-01-13. Review status: criteria provided, single submitter. Criteria: ICSL Variant Classification Criteria 13 December 2019. Collection method: clinical testing. Allele origin: germline.
Comment: This variant was observed in the ICSL laboratory as part of a predisposition screen in an ostensibly healthy population. It had not been previously curated by ICSL or reported in the Human Gene Mutation Database (HGMD: prior to June 1st, 2018), and was therefore a candidate for classification through an automated scoring system. Utilizing variant allele frequency, disease prevalence and penetrance estimates, and inheritance mode, an automated score was calculated to assess if this variant is too frequent to cause the disease. Based on the score and internal cut-off values, a variant classified as likely benign is not then subjected to further curation. The score for this variant resulted in a classification of likely benign for this disease.

Ambry Genetics
Classification: Benign for Familial thoracic aortic aneurysm and aortic dissection. Last evaluated: 2016-04-15. Review status: criteria provided, single submitter. Criteria: Ambry Variant Classification Scheme 2023. Collection method: clinical testing. Allele origin: germline.

Breakthrough Genomics
Classification: Likely benign. Review status: criteria provided, single submitter. Criteria: ACMG Guidelines, 2015. Collection method: not provided. Allele origin: germline. Inheritance: Autosomal recessive inheritance. Affected: yes.

Clinical Genetics DNA and cytogenetics Diagnostics Lab, Erasmus MC, Erasmus Medical Center
Classification: Uncertain significance. Review status: no assertion criteria provided. Collection method: clinical testing. Allele origin: germline. Affected: yes. Study: VKGL Data-share Consensus. Not counted in ClinVar's aggregate classification.

Genome Diagnostics Laboratory, Amsterdam University Medical Center
Classification: Uncertain significance. Review status: no assertion criteria provided. Collection method: clinical testing. Allele origin: germline. Affected: yes. Study: VKGL Data-share Consensus. Not counted in ClinVar's aggregate classification.

NM_053025.4(MYLK):c.2023G>A (p.Gly675Arg)

Gene: MYLK (myosin light chain kinase; minus strand). Cytogenetic location: 3q21.1.
Variant type: single nucleotide variant.
Coding change: c.2023G>A on transcript NM_053025.4 (MANE Select); coding-DNA position 2023, G replaced by A.
Protein change: p.Gly675Arg; replaces glycine 675 with arginine.
Molecular consequence: missense variant.
Genome position (GRCh38, 1-based): chr3:123,708,815, C>T on the plus strand (G>A on the coding strand, the complement: MYLK is on the minus strand). VCF-style: chr3-123708815-C-T. GRCh37 (hg19) VCF-style: chr3-123427662-C-T.
Other names: c.1495G>A, p.Gly499Arg (NM_001321309.2); c.1816G>A, p.Gly606Arg (NM_053026.4, NM_053028.4); c.2023G>A, p.Gly675Arg (NM_053027.4); short protein forms G675R, G606R, G499R.
Identifiers: ClinVar variation 241753 (VCV000241753.41), dbSNP rs147008323, ClinGen allele CA067954.
Genomic context (GRCh38, chr3:123,708,815, plus strand): 5'-AGGTGTACGTGCCCGTGTCCTCCGGGAACACTTCCTGGATACAAAGGCTGTGCTGAGTTC[C>T]TCTCTGTTCAAAGTGGAAGTCCTCTGACTCTTGGATCTCATTCCCATTGTGCAGCCAGAT-3'
Protein context (NP_444253.3, residues 665-685): ESEDFHFEQR[Gly675Arg]TQHSLCIQEV